The following is an entry in ClinVar:

NM_005548.3(KARS1):c.482+7C>T

Gene: KARS1 (lysyl-tRNA synthetase 1; minus strand). Cytogenetic location: 16q23.1.
Variant type: single nucleotide variant.
Coding change: c.482+7C>T on transcript NM_005548.3 (MANE Select); 7 bases into the intron after coding-DNA position 482, C replaced by T.
Molecular consequence: intron variant.
Genome position (GRCh38, 1-based): chr16:75,636,447, G>A on the plus strand (C>T on the coding strand, the complement: KARS1 is on the minus strand). VCF-style: chr16-75636447-G-A. GRCh37 (hg19) VCF-style: chr16-75670345-G-A.
Other names: c.566+7C>T (NM_001130089.1, NM_001130089.2); c.14+7C>T (NM_001378148.1).
Identifiers: ClinVar variation 1905785 (VCV001905785.6), dbSNP rs544209447, ClinGen allele CA8177610.

ClinVar aggregate classification (germline): Likely benign. Review status: criteria provided, single submitter (1 of 4 stars). 2 submissions from 2 submitters: Likely benign (1). 1 of the submissions does not count toward it. Last evaluated 2024-04-22.

Conditions:
KARS1-related disorder. Also called: KARS1-related disorders.

Allele frequency attached by ClinVar (database versions not stated): gnomAD 0.00001.
gnomAD v4.1: 10 of 1,583,254 alleles (0.00063%); highest among the groups gnomAD compares: East Asian, 0.018%; no homozygotes.

Submissions (2):

Labcorp Genetics (formerly Invitae), Labcorp
Classification: Likely benign. Last evaluated: 2024-04-22. Review status: criteria provided, single submitter. Criteria: Invitae Variant Classification Sherloc (09022015). Collection method: clinical testing. Allele origin: germline.

PreventionGenetics, part of Exact Sciences
Classification: Likely benign for KARS1-related condition. Last evaluated: 2019-04-12. Review status: no assertion criteria provided. Collection method: clinical testing. Allele origin: germline. Not counted in ClinVar's aggregate classification.
Comment: This variant is classified as likely benign based on ACMG/AMP sequence variant interpretation guidelines (Richards et al. 2015 PMID: 25741868, with internal and published modifications).